The following is an entry in ClinVar:

ClinVar aggregate classification (germline): Likely pathogenic (1 of 4 stars; one submission).

Conditions:
Fabry disease. Also called: ALPHA-GALACTOSIDASE A DEFICIENCY; ANDERSON-FABRY DISEASE; CERAMIDE TRIHEXOSIDASE DEFICIENCY; GLA DEFICIENCY; HEREDITARY DYSTOPIC LIPIDOSIS; Angiokeratoma corporis diffusum. Identifiers: Orphanet 324, MedGen C0002986, MONDO:0010526, OMIM 301500, HP:0001071. Disease mechanism: Fabry disease is due to inactivating mutations in the X-linked GLA gene resulting in deficiency of the enzyme Alpha Galactosidase-A., loss of function.

Submission:

Genomenon, Inc
Classification: Likely pathogenic for Fabry disease. Last evaluated: 2026-09-08. Review status: criteria provided, single submitter. Criteria: Genomenon Sequence Variant Interpretation Standards - Updated. Collection method: curation. Allele origin: germline. Affected: no.
Comment: GLA p.Trp47Cys (c.141G>T) is a missense variant that changes the amino acid at codon 47 from Tryptophan to Cysteine. To our knowledge, this variant has not been reported in patients affected with Fabry disease in the published literature. At least one functional study has demonstrated a substantial alteration in protein function relative to the wild-type (PMID:27657681). This variant is located in a mutational hotspot and/or important functional domain. It is absent or not present at a significant frequency in gnomAD. In silico models predict that this variant is possibly or probably damaging. In conclusion, we classify GLA p.Trp47Cys (c.141G>T) as a likely pathogenic variant.

Literature cited by the submitters: PubMed 27657681.

NM_000169.3(GLA):c.141G>T (p.Trp47Cys)

Genes: GLA (galactosidase alpha; minus strand), RPL36A-HNRNPH2 (RPL36A-HNRNPH2 readthrough; plus strand). Cytogenetic location: Xq22.1.
Variant type: single nucleotide variant.
Coding change: c.141G>T on transcript NM_000169.3 (MANE Select); coding-DNA position 141, G replaced by T.
Protein change: p.Trp47Cys; replaces tryptophan 47 with cysteine.
Molecular consequence: missense variant. On other transcripts: non-coding transcript variant (3), intron variant (2).
Genome position (GRCh38, 1-based): chrX:101,407,763, C>A on the plus strand (G>T on the coding strand, the complement: GLA is on the minus strand). VCF-style: chrX-101407763-C-A. GRCh37 (hg19) VCF-style: chrX-100662751-C-A.
Other names: c.141G>T, p.Trp47Cys (NM_001406747.1, NM_001406748.1, NM_001406749.1); c.301-4173C>A (NM_001199973.2); c.178-4173C>A (NM_001199974.2); short protein forms W47C.
Identifiers: ClinVar variation 4087677 (VCV004087677.2).